The following is an entry in ClinVar:

NM_024577.4(SH3TC2):c.2873-3C>T

Gene: SH3TC2 (SH3 domain and tetratricopeptide repeats 2; minus strand). Cytogenetic location: 5q32.
Variant type: single nucleotide variant.
Coding change: c.2873-3C>T on transcript NM_024577.4 (MANE Select); 3 bases into the intron before coding-DNA position 2873, C replaced by T.
Molecular consequence: intron variant.
Genome position (GRCh38, 1-based): chr5:149,026,755, G>A on the plus strand (C>T on the coding strand, the complement: SH3TC2 is on the minus strand). VCF-style: chr5-149026755-G-A. GRCh37 (hg19) VCF-style: chr5-148406318-G-A.
Identifiers: ClinVar variation 945599 (VCV000945599.9), dbSNP rs749316605, ClinGen allele CA3498899.

ClinVar aggregate classification (germline): Uncertain significance (1 of 4 stars; one submission).

Conditions:
Charcot-Marie-Tooth disease type 4. Also called: Charcot-Marie-Tooth disease, type IV; Charcot-Marie-Tooth, Type 4. Identifiers: Orphanet 64749, MedGen C4082197, MONDO:0018995.

Allele frequency attached by ClinVar (database versions not stated): gnomAD exomes 0.00001 and 0.00002; TOPMed 0.00001; ExAC 0.00002.

Submission:

Labcorp Genetics (formerly Invitae), Labcorp
Classification: Uncertain significance for Charcot-Marie-Tooth disease type 4. Last evaluated: 2021-02-02. Review status: criteria provided, single submitter. Criteria: Invitae Variant Classification Sherloc (09022015). Collection method: clinical testing. Allele origin: germline.
Comment: This sequence change falls in intron 11 of the SH3TC2 gene. It does not directly change the encoded amino acid sequence of the SH3TC2 protein, but it affects a nucleotide within the consensus splice site of the intron. This variant is present in population databases (rs749316605, ExAC 0.003%). This variant has not been reported in the literature in individuals with SH3TC2-related conditions. Nucleotide substitutions within the consensus splice site are a relatively common cause of aberrant splicing (PMID: 17576681, 9536098). Algorithms developed to predict the effect of sequence changes on RNA splicing suggest that this variant is not likely to affect RNA splicing, but this prediction has not been confirmed by published transcriptional studies. In summary, the available evidence is currently insufficient to determine the role of this variant in disease. Therefore, it has been classified as a Variant of Uncertain Significance.

Literature cited by the submitters: PubMed 17576681; PubMed 9536098.